The following is an entry in ClinVar:

NM_001384474.1(LOXHD1):c.6599G>A (p.Arg2200Gln)

Gene: LOXHD1 (lipoxygenase homology PLAT domains 1; minus strand). Cytogenetic location: 18q21.1.
Variant type: single nucleotide variant.
Coding change: c.6599G>A on transcript NM_001384474.1 (MANE Select); coding-DNA position 6599, G replaced by A.
Protein change: p.Arg2200Gln; replaces arginine 2200 with glutamine.
Molecular consequence: missense variant.
Genome position (GRCh38, 1-based): chr18:46,477,695, C>T on the plus strand (G>A on the coding strand, the complement: LOXHD1 is on the minus strand). VCF-style: chr18-46477695-C-T. GRCh37 (hg19) VCF-style: chr18-44057658-C-T.
Other names: c.3266G>A, p.Arg1089Gln (NM_001145472.3); c.1316G>A, p.Arg439Gln (NM_001145473.3, NM_001173129.2); c.2978G>A, p.Arg993Gln (NM_001308013.2); c.6413G>A, p.Arg2138Gln (NM_144612.7); short protein forms R2138Q, R439Q, R1089Q, R993Q, R2200Q.
Identifiers: ClinVar variation 163884 (VCV000163884.25), dbSNP rs148468627, ClinGen allele CA176604.

ClinVar aggregate classification (germline): Conflicting classifications of pathogenicity. Review status: criteria provided, conflicting classifications (1 of 4 stars). 10 submissions from 10 submitters: Uncertain significance (2); Benign (4); Likely benign (2). 2 of the submissions do not count toward it. Last evaluated 2026-02-04.

Conditions:
concomitant exotropia.
Autosomal recessive nonsyndromic hearing loss 77. Identifiers: Orphanet 90636, MedGen C2746083, MONDO:0013119, OMIM 613079.

Allele frequency attached by ClinVar (database versions not stated): TOPMed 0.00237; 1000 Genomes Project 30x 0.00453; 1000 Genomes Project 0.00479; gnomAD 0.00074 and 0.00114; gnomAD exomes 0.00090 and 0.00235; ExAC 0.00110.
gnomAD v4.1: 1,439 of 1,551,908 alleles (0.093%); highest among the groups gnomAD compares: East Asian, 3.2%; 16 homozygotes.

Submissions (10):

Labcorp Genetics (formerly Invitae), Labcorp
Classification: Benign. Last evaluated: 2026-02-04. Review status: criteria provided, single submitter. Criteria: Invitae Variant Classification Sherloc (09022015). Collection method: clinical testing. Allele origin: germline.

Blueprint Genetics
Classification: Likely benign. Last evaluated: 2024-11-26. Review status: criteria provided, single submitter. Criteria: ACMG Guidelines, 2015. Collection method: clinical testing. Allele origin: germline.

Women's Health and Genetics/Laboratory Corporation of America, LabCorp
Classification: Likely benign. Last evaluated: 2023-03-14. Review status: criteria provided, single submitter. Criteria: LabCorp Variant Classification Summary - May 2015. Collection method: clinical testing. Allele origin: germline.

Athena Diagnostics
Classification: Benign. Last evaluated: 2019-10-28. Review status: criteria provided, single submitter. Criteria: Athena Diagnostics Criteria. Collection method: clinical testing. Allele origin: unknown.

Illumina Laboratory Services, Illumina
Classification: Uncertain significance for Autosomal recessive nonsyndromic hearing loss 77. Last evaluated: 2018-01-12. Review status: criteria provided, single submitter. Criteria: ICSL Variant Classification Criteria 13 December 2019. Collection method: clinical testing. Allele origin: germline.

GeneDx
Classification: Benign. Last evaluated: 2017-12-12. Review status: criteria provided, single submitter. Criteria: GeneDx Variant Classification (06012015). Collection method: clinical testing. Allele origin: germline. Affected: yes.
Comment: This variant is considered likely benign or benign based on one or more of the following criteria: it is a conservative change, it occurs at a poorly conserved position in the protein, it is predicted to be benign by multiple in silico algorithms, and/or has population frequency not consistent with disease.

Laboratory for Molecular Medicine, Mass General Brigham Personalized Medicine
Classification: Benign. Last evaluated: 2016-12-22. Review status: criteria provided, single submitter. Criteria: LMM Criteria. Collection method: clinical testing. Allele origin: germline. Observed: 5 variant alleles.
Comment: p.Arg2138Gln in exon 40 of LOXHD1: This variant is not expected to have clinical significance because it has been identified in 3.3% (390/11902) of East Asian c hromosomes by the Genome Aggregation Consortium(gnomAD; dbSNP rs148468627).

Genetic Testing Center for Deafness, Department of Otolaryngology Head & Neck Surgery, Institute of Otolaryngology, Chinese PLA General Hospital
Classification: Uncertain significance for Autosomal recessive nonsyndromic hearing loss 77. Review status: criteria provided, single submitter. Criteria: ClinGen HL ACMG Specifications v1. Collection method: case-control. Allele origin: maternal. Observed: 2 variant alleles.

Ophthalmology Lab, The First People's Hospital of Yunnan Provience
Classification: Likely pathogenic for concomitant exotropia. Last evaluated: 2024-08-30. Review status: no assertion criteria provided. Collection method: clinical testing. Allele origin: inherited. Affected: yes. Observed: 7 variant alleles. Not counted in ClinVar's aggregate classification.
Comment: Dominant inheritance. Diseases associated with LOXHD1 include deafness, autosomal recessive 77 and autosomal recessive nonsyndromic sensorineural deafness and late-onset Fuchs’ corneal dystrophy

Natera, Inc.
Classification: Benign for Autosomal recessive deafness type 77. Last evaluated: 2020-09-16. Review status: no assertion criteria provided. Collection method: clinical testing. Allele origin: germline. Not counted in ClinVar's aggregate classification.

Literature cited by the submitters: PubMed 29799290 (cited by Athena Diagnostics).